The following is an entry in ClinVar:

ClinVar aggregate classification (germline): Uncertain significance (1 of 4 stars; one submission).

Conditions:
Welander distal myopathy (WDM). Also called: Gower's muscular dystrophy; Welander distal myopathy, Swedish type; Distal myopathy, Swedish type; MUSCULAR DYSTROPHY, DISTAL, LATE-ONSET, AUTOSOMAL DOMINANT. Identifiers: Orphanet 603, MedGen C0221054, MONDO:0011466, OMIM 604454.

gnomAD v4.1: 1 of 1,613,492 alleles (0.000062%); highest among the groups gnomAD compares: Non-Finnish European, 0.000085%; no homozygotes.

Submission:

Labcorp Genetics (formerly Invitae), Labcorp
Classification: Uncertain significance for Welander distal myopathy. Last evaluated: 2021-09-09. Review status: criteria provided, single submitter. Criteria: Invitae Variant Classification Sherloc (09022015). Collection method: clinical testing. Allele origin: germline.
Comment: This sequence change replaces alanine with serine at codon 263 of the TIA1 protein (p.Ala263Ser). The alanine residue is highly conserved and there is a moderate physicochemical difference between alanine and serine. This variant is not present in population databases (ExAC no frequency). This variant has not been reported in the literature in individuals affected with TIA1-related conditions. Algorithms developed to predict the effect of missense changes on protein structure and function are either unavailable or do not agree on the potential impact of this missense change (SIFT: "Tolerated"; PolyPhen-2: "Probably Damaging"; Align-GVGD: "Class C0"). In summary, the available evidence is currently insufficient to determine the role of this variant in disease. Therefore, it has been classified as a Variant of Uncertain Significance.

NM_022173.4(TIA1):c.787G>T (p.Ala263Ser)

Gene: TIA1 (TIA1 cytotoxic granule associated RNA binding protein; minus strand). Cytogenetic location: 2p13.3.
Variant type: single nucleotide variant.
Coding change: c.787G>T on transcript NM_022173.4 (MANE Select); coding-DNA position 787, G replaced by T.
Protein change: p.Ala263Ser; replaces alanine 263 with serine.
Molecular consequence: missense variant. On other transcripts: non-coding transcript variant (17).
Genome position (GRCh38, 1-based): chr2:70,215,472, C>A on the plus strand (G>T on the coding strand, the complement: TIA1 is on the minus strand). VCF-style: chr2-70215472-C-A. GRCh37 (hg19) VCF-style: chr2-70442604-C-A.
Other names: c.787G>T, p.Ala263Ser (NM_001351508.2); c.760G>T, p.Ala254Ser (NM_001351509.2); c.754G>T, p.Ala252Ser (NM_001351510.2, NM_022037.4); c.676G>T, p.Ala226Ser (NM_001351511.1); c.649G>T, p.Ala217Ser (NM_001351512.1); c.643G>T, p.Ala215Ser (NM_001351513.1); c.559G>T, p.Ala187Ser (NM_001351514.2); c.484G>T, p.Ala162Ser (NM_001351515.2); and 1 more; short protein forms A226S, A162S, A187S, A215S, A252S, A217S, A263S, A123S.
Identifiers: ClinVar variation 1463953 (VCV001463953.6), dbSNP rs2103907507, ClinGen allele CA347151622.